The following is an entry in ClinVar:

ClinVar aggregate classification (germline): Uncertain significance. Review status: criteria provided, multiple submitters, no conflicts (2 of 4 stars). 4 submissions from 4 submitters: Uncertain significance (4). Last evaluated 2025-02-19.

Conditions:
Inborn genetic diseases. Identifiers: MedGen C0950123, MeSH D030342.
Bardet-Biedl syndrome 8 (BBS8). Identifiers: Orphanet 110, MedGen C1859566, MONDO:0014436, OMIM 615985.
Retinitis pigmentosa 51 (RP51). Identifiers: Orphanet 791, MedGen C3150715, MONDO:0013274, OMIM 613464.
Bardet-Biedl syndrome (BBS). Identifiers: Orphanet 110, MedGen C0752166, MONDO:0015229.

gnomAD v4.1: 18 of 1,614,168 alleles (0.0011%); highest among the groups gnomAD compares: South Asian, 0.019%; no homozygotes.

Submissions (4):

Ambry Genetics
Classification: Uncertain significance for Inborn genetic diseases. Last evaluated: 2025-02-19. Review status: criteria provided, single submitter. Criteria: Ambry Variant Classification Scheme 2023. Collection method: clinical testing. Allele origin: germline.

Fulgent Genetics
Classification: Uncertain significance for Retinitis pigmentosa 51; Bardet-Biedl syndrome 8. Last evaluated: 2024-01-31. Review status: criteria provided, single submitter. Criteria: ACMG Guidelines, 2015. Collection method: clinical testing. Allele origin: germline.

Blueprint Genetics
Classification: Uncertain significance. Last evaluated: 2021-12-07. Review status: criteria provided, single submitter. Criteria: ACMG Guidelines, 2015. Collection method: clinical testing. Allele origin: germline.

Labcorp Genetics (formerly Invitae), Labcorp
Classification: Uncertain significance for Bardet-Biedl syndrome. Last evaluated: 2021-09-01. Review status: criteria provided, single submitter. Criteria: Invitae Variant Classification Sherloc (09022015). Collection method: clinical testing. Allele origin: germline.
Comment: This sequence change replaces glutamine with proline at codon 365 of the TTC8 protein (p.Gln365Pro). The glutamine residue is highly conserved and there is a moderate physicochemical difference between glutamine and proline. This variant is present in population databases (rs774216735, ExAC 0.01%). This variant has not been reported in the literature in individuals affected with TTC8-related conditions. Algorithms developed to predict the effect of missense changes on protein structure and function are either unavailable or do not agree on the potential impact of this missense change (SIFT: "Deleterious"; PolyPhen-2: "Probably Damaging"; Align-GVGD: "Class C0"). In summary, the available evidence is currently insufficient to determine the role of this variant in disease. Therefore, it has been classified as a Variant of Uncertain Significance.

NM_144596.4(TTC8):c.1124A>C (p.Gln375Pro)

Gene: TTC8 (tetratricopeptide repeat domain 8; plus strand). Cytogenetic location: 14q31.3.
Variant type: single nucleotide variant.
Coding change: c.1124A>C on transcript NM_144596.4 (MANE Select); coding-DNA position 1124, A replaced by C.
Protein change: p.Gln375Pro; replaces glutamine 375 with proline.
Molecular consequence: missense variant. On other transcripts: non-coding transcript variant (1).
Genome position (GRCh38, 1-based): chr14:88,871,623, A>C. VCF-style: chr14-88871623-A-C. GRCh37 (hg19) VCF-style: chr14-89337967-A-C.
Other names: c.1094A>C (NM_198309.2); c.1172A>C, p.Gln391Pro (NM_001288781.1); c.530A>C, p.Gln177Pro (NM_001288782.1); c.407A>C, p.Gln136Pro (NM_001288783.1); c.1094A>C, p.Gln365Pro (NM_001366535.2, NM_198309.3); c.1004A>C, p.Gln335Pro (NM_001366536.2, NM_198310.3); short protein forms Q375P, Q365P, Q335P, Q177P, Q136P, Q391P.
Identifiers: ClinVar variation 409410 (VCV000409410.9), dbSNP rs774216735, ClinGen allele CA7302674.